The following is an entry in ClinVar:

ClinVar aggregate classification (germline): not provided (0 of 4 stars; one submission).

Conditions:
Blau syndrome (BLAUS). Also called: ARTHROCUTANEOUVEAL GRANULOMATOSIS; GRANULOMATOSIS, FAMILIAL JUVENILE SYSTEMIC; GRANULOMATOSIS, FAMILIAL, BLAU TYPE; GRANULOMATOUS INFLAMMATORY ARTHRITIS, DERMATITIS, AND UVEITIS, FAMILIAL; JABS SYNDROME. Identifiers: Orphanet 90340, MedGen C5201146, MONDO:0008523, OMIM 186580.

Submission:

Unité médicale des maladies autoinflammatoires, CHRU Montpellier
No classification provided. Condition: Sarcoidosis, early-onset. Review status: no classification provided. Collection method: not provided. Allele origin: unknown.
Comment: also involved in OMIM 186580 and 266600

NM_001370466.1(NOD2):c.1732A>C (p.Thr578Pro)

Gene: NOD2 (nucleotide binding oligomerization domain containing 2; plus strand). Cytogenetic location: 16q12.1.
Variant type: single nucleotide variant.
Coding change: c.1732A>C on transcript NM_001370466.1 (MANE Select); coding-DNA position 1732, A replaced by C.
Protein change: p.Thr578Pro; replaces threonine 578 with proline.
Molecular consequence: missense variant. On other transcripts: non-coding transcript variant (1).
Genome position (GRCh38, 1-based): chr16:50,711,724, A>C. VCF-style: chr16-50711724-A-C. GRCh37 (hg19) VCF-style: chr16-50745635-A-C.
Other names: c.1813A>C (LRG_177t1); c.1732A>C, p.Thr578Pro (NM_001293557.2); c.1813A>C, p.Thr605Pro (NM_022162.3); short protein forms T605P, T578P.
Identifiers: ClinVar variation 97840 (VCV000097840.1), dbSNP rs104895474, ClinGen allele CA150234.